The following is an entry in ClinVar:

ClinVar aggregate classification (germline): Uncertain significance. Review status: criteria provided, multiple submitters, no conflicts (2 of 4 stars). 2 submissions from 2 submitters: Uncertain significance (2). Last evaluated 2026-02-18.

Conditions:
CEP164-related disorder. Also called: CEP164-related condition.
Nephronophthisis 15 (NPHP15). Identifiers: Orphanet 3156, MedGen C3541853, MONDO:0013917, OMIM 614845.

Allele frequency attached by ClinVar (database versions not stated): TOPMed below 0.00001; ExAC 0.00001; gnomAD 0.00001; gnomAD exomes 0.00001; 1000 Genomes Project 30x 0.00016; 1000 Genomes Project 0.00020.
gnomAD v4.1: 10 of 1,583,884 alleles (0.00063%); highest among the groups gnomAD compares: South Asian, 0.0023%; no homozygotes.

Submissions (2):

PreventionGenetics, part of Exact Sciences
Classification: Uncertain significance for CEP164-related condition. Last evaluated: 2026-02-18. Review status: criteria provided, single submitter. Criteria: ACMG Guidelines, 2015. Collection method: clinical testing. Allele origin: germline.
Comment: The CEP164 c.530G>A variant is predicted to result in the amino acid substitution p.Arg177His. To our knowledge, this variant has not been reported in the literature. This variant is reported in 0.0042% of alleles in individuals of South Asian descent in gnomAD. At this time, the clinical significance of this variant is uncertain due to the absence of conclusive functional and genetic evidence.

Labcorp Genetics (formerly Invitae), Labcorp
Classification: Uncertain significance for Nephronophthisis 15. Last evaluated: 2025-08-18. Review status: criteria provided, single submitter. Criteria: Invitae Variant Classification Sherloc (09022015). Collection method: clinical testing. Allele origin: germline.
Comment: This sequence change replaces arginine, which is basic and polar, with histidine, which is basic and polar, at codon 177 of the CEP164 protein (p.Arg177His). This variant is present in population databases (rs199701600, gnomAD 0.004%). This variant has not been reported in the literature in individuals affected with CEP164-related conditions. ClinVar contains an entry for this variant (Variation ID: 1505220). An algorithm developed to predict the effect of missense changes on protein structure and function (PolyPhen-2) suggests that this variant is likely to be tolerated. In summary, the available evidence is currently insufficient to determine the role of this variant in disease. Therefore, it has been classified as a Variant of Uncertain Significance.

NM_014956.5(CEP164):c.530G>A (p.Arg177His)

Gene: CEP164 (centrosomal protein 164; plus strand). Cytogenetic location: 11q23.3.
Variant type: single nucleotide variant.
Coding change: c.530G>A on transcript NM_014956.5 (MANE Select); coding-DNA position 530, G replaced by A.
Protein change: p.Arg177His; replaces arginine 177 with histidine.
Molecular consequence: missense variant.
Genome position (GRCh38, 1-based): chr11:117,361,971, G>A. VCF-style: chr11-117361971-G-A. GRCh37 (hg19) VCF-style: chr11-117232687-G-A.
Other names: c.530G>A, p.Arg177His (NM_001271933.2); c.530G>A (NM_014956.4); short protein forms R177H.
Identifiers: ClinVar variation 1505220 (VCV001505220.8), dbSNP rs199701600, ClinGen allele CA6294506.